The following is an entry in ClinVar:

NM_000352.6(ABCC8):c.1104G>T (p.Leu368=)

Gene: ABCC8 (ATP binding cassette subfamily C member 8; minus strand). Cytogenetic location: 11p15.1.
Variant type: single nucleotide variant.
Coding change: c.1104G>T on transcript NM_000352.6 (MANE Select); coding-DNA position 1104, G replaced by T.
Protein change: p.Leu368=; no amino-acid change (leucine 368 retained).
Molecular consequence: synonymous variant. On other transcripts: non-coding transcript variant (1).
Genome position (GRCh38, 1-based): chr11:17,453,191, C>A on the plus strand (G>T on the coding strand, the complement: ABCC8 is on the minus strand). VCF-style: chr11-17453191-C-A. GRCh37 (hg19) VCF-style: chr11-17474738-C-A.
Other names: c.1104G>T, p.Leu368= (NM_001287174.3, NM_001351295.2); c.1101G>T, p.Leu367= (NM_001351296.2, NM_001351297.2).
Identifiers: ClinVar variation 3052544 (VCV003052544.2), dbSNP rs2496810407, ClinGen allele CA473299849.

ClinVar aggregate classification (germline): Likely benign (0 of 4 stars; one submission).

Conditions:
ABCC8-related disorder.

Submission:

PreventionGenetics, part of Exact Sciences
Classification: Likely benign for ABCC8-related condition. Last evaluated: 2022-08-17. Review status: no assertion criteria provided. Collection method: clinical testing. Allele origin: germline.
Comment: This variant is classified as likely benign based on ACMG/AMP sequence variant interpretation guidelines (Richards et al. 2015 PMID: 25741868, with internal and published modifications).